The following is an entry in ClinVar:

ClinVar aggregate classification (germline): Pathogenic (1 of 4 stars; one submission).

Submission:

Labcorp Genetics (formerly Invitae), Labcorp
Classification: Pathogenic. Last evaluated: 2024-08-04. Review status: criteria provided, single submitter. Criteria: Invitae Variant Classification Sherloc (09022015). Collection method: clinical testing. Allele origin: germline.
Comment: This sequence change creates a premature translational stop signal (p.Trp47*) in the EBP gene. It is expected to result in an absent or disrupted protein product. Loss-of-function variants in EBP are known to be pathogenic (PMID: 10391218). This variant is not present in population databases (gnomAD no frequency). This premature translational stop signal has been observed in individual(s) with Conradi-Hünermann-Happle syndrome (PMID: 11982764). For these reasons, this variant has been classified as Pathogenic.

Literature cited by the submitters: PubMed 10391218; PubMed 11982764.

NM_006579.3(EBP):c.140G>A (p.Trp47Ter)

Gene: EBP (EBP cholestenol delta-isomerase; plus strand). Cytogenetic location: Xp11.23.
Variant type: single nucleotide variant.
Coding change: c.140G>A on transcript NM_006579.3 (MANE Select); coding-DNA position 140, G replaced by A.
Protein change: p.Trp47Ter; replaces tryptophan 47 with a stop codon.
Molecular consequence: nonsense.
Genome position (GRCh38, 1-based): chrX:48,523,911, G>A. VCF-style: chrX-48523911-G-A. GRCh37 (hg19) VCF-style: chrX-48382299-G-A.
Other names: short protein forms W47*.
Identifiers: ClinVar variation 3661413 (VCV003661413.2).
Genomic context (GRCh38, chrX:48,523,911, plus strand): 5'-CCACCTGGCATATACTGGCTGGCCTCTTCTCTGTCACAGGGGTCTTAGTCGTGACCACAT[G>A]GCTGTTGTCAGGTCGTGCTGCGGTTGTCCCATTGGGGACTTGGCGGCGACTGTCCCTGTG-3'